The following is an entry in ClinVar:

NM_017763.6(RNF43):c.471del (p.Thr158fs)

Gene: RNF43 (ring finger protein 43; minus strand). Cytogenetic location: 17q22.
Variant type: Deletion.
Coding change: c.471del on transcript NM_017763.6 (MANE Select); coding-DNA position 471, one base deleted (G; older notation c.471delG).
Protein change: p.Thr158fs; shifts the reading frame from threonine 158.
Molecular consequence: frameshift variant.
Genome position (GRCh38, 1-based): chr17:58,363,386, C deleted on the plus strand (G on the coding strand, the reverse complement: RNF43 is on the minus strand). VCF-style (leftmost placement, unchanged base first): chr17-58363385-TC-T. GRCh37 (hg19) VCF-style: chr17-56440746-TC-T.
Other names: c.471delG (NM_017763.4); c.471delG, p.Thr158Profs (NM_001305544.3); c.90delG, p.Thr31Profs (NM_001305545.2); short protein forms T158fs, T31fs.
Identifiers: ClinVar variation 1044671 (VCV001044671.12), dbSNP rs1164873326, ClinGen allele CA773539837.

ClinVar aggregate classification (germline): Conflicting classifications of pathogenicity. Review status: criteria provided, conflicting classifications (1 of 4 stars). 5 submissions from 5 submitters: Pathogenic (1); Uncertain significance (3). 1 of the submissions does not count toward it. Last evaluated 2026-02-04.

Conditions:
Sessile serrated polyposis cancer syndrome (SSPCS). Identifiers: Orphanet 157798, MedGen C4310714, MONDO:0014919, OMIM 617108.
RNF43-related disorder. Also called: RNF43-related condition.

Allele frequency attached by ClinVar (database versions not stated): gnomAD 0.00001; gnomAD exomes below 0.00001; TOPMed below 0.00001.

Submissions (5):

Myriad Genetics, Inc.
Classification: Pathogenic for Sessile serrated polyposis cancer syndrome. Last evaluated: 2026-02-04. Review status: criteria provided, single submitter. Criteria: Myriad Autosomal Dominant, Autosomal Recessive and X-Linked Classification Criteria (2023). Collection method: clinical testing. Allele origin: unknown.
Comment: This variant is considered pathogenic. This variant creates a frameshift predicted to result in premature protein truncation.

Labcorp Genetics (formerly Invitae), Labcorp
Classification: Uncertain significance. Last evaluated: 2025-08-25. Review status: criteria provided, single submitter. Criteria: Invitae Variant Classification Sherloc (09022015). Collection method: clinical testing. Allele origin: germline.
Comment: This sequence change creates a premature translational stop signal (p.Thr158Profs*6) in the RNF43 gene. It is expected to result in an absent or disrupted protein product. However, the current clinical and genetic evidence is not sufficient to establish whether loss-of-function variants in RNF43 cause disease. This variant is not present in population databases (gnomAD no frequency). This variant has not been reported in the literature in individuals affected with RNF43-related conditions. ClinVar contains an entry for this variant (Variation ID: 1044671). In summary, the available evidence is currently insufficient to determine the role of this variant in disease. Therefore, it has been classified as a Variant of Uncertain Significance.

Ambry Genetics
Classification: Uncertain significance. Last evaluated: 2025-01-11. Review status: criteria provided, single submitter. Criteria: Ambry Variant Classification Scheme 2023. Collection method: clinical testing. Allele origin: germline.
Comment: The c.471delG variant, located in coding exon 4 of the RNF43 gene, results from a deletion of one nucleotide at nucleotide position 471, causing a translational frameshift with a predicted alternate stop codon (p.T158Pfs*6). This alteration is expected to result in protein truncation or nonsense-mediated mRNA decay. The evidence for this gene-disease relationship is limited; therefore, the clinical significance of this alteration is unclear.

Baylor Genetics
Classification: Uncertain significance for Sessile serrated polyposis cancer syndrome. Last evaluated: 2024-02-29. Review status: criteria provided, single submitter. Criteria: ACMG Guidelines, 2015. Collection method: clinical testing. Allele origin: unknown.

PreventionGenetics, part of Exact Sciences
Classification: Uncertain significance for RNF43-related condition. Last evaluated: 2024-08-11. Review status: no assertion criteria provided. Collection method: clinical testing. Allele origin: germline. Not counted in ClinVar's aggregate classification.
Comment: The RNF43 c.471delG variant is predicted to result in a frameshift and premature protein termination (p.Thr158Profs*6). To our knowledge, this variant has not been reported in the literature or in a large population database, indicating this variant is rare. Loss of function has not been established as a disease mechanism for RNF43 associated diseases. This variant is interpreted as a variant of uncertain significance in ClinVar. Although we suspect that this variant may be pathogenic, at this time, the clinical significance of this variant is uncertain due to the absence of conclusive functional and genetic evidence.